The following is an entry in ClinVar:

ClinVar aggregate classification (germline): Uncertain significance (1 of 4 stars; one submission).

Submission:

Labcorp Genetics (formerly Invitae), Labcorp
Classification: Uncertain significance. Last evaluated: 2025-02-26. Review status: criteria provided, single submitter. Criteria: Invitae Variant Classification Sherloc (09022015). Collection method: clinical testing. Allele origin: germline.
Comment: This sequence change replaces lysine, which is basic and polar, with arginine, which is basic and polar, at codon 257 of the LHCGR protein (p.Lys257Arg). This variant is not present in population databases (gnomAD no frequency). This variant has not been reported in the literature in individuals affected with LHCGR-related conditions. Invitae Evidence Modeling of protein sequence and biophysical properties (such as structural, functional, and spatial information, amino acid conservation, physicochemical variation, residue mobility, and thermodynamic stability) indicates that this missense variant is not expected to disrupt LHCGR protein function with a negative predictive value of 80%. In summary, the available evidence is currently insufficient to determine the role of this variant in disease. Therefore, it has been classified as a Variant of Uncertain Significance.

NM_000233.4(LHCGR):c.770A>G (p.Lys257Arg)

Genes: LHCGR (luteinizing hormone/choriogonadotropin receptor; minus strand), STON1-GTF2A1L (STON1-GTF2A1L readthrough; plus strand). Cytogenetic location: 2p16.3.
Variant type: single nucleotide variant.
Coding change: c.770A>G on transcript NM_000233.4 (MANE Select); coding-DNA position 770, A replaced by G.
Protein change: p.Lys257Arg; replaces lysine 257 with arginine.
Molecular consequence: missense variant. On other transcripts: intron variant (1).
Genome position (GRCh38, 1-based): chr2:48,698,711, T>C on the plus strand (A>G on the coding strand, the complement: LHCGR is on the minus strand). VCF-style: chr2-48698711-T-C. GRCh37 (hg19) VCF-style: chr2-48925850-T-C.
Other names: c.3441+27031T>C (NM_001198593.2); short protein forms K257R.
Identifiers: ClinVar variation 4745262 (VCV004745262.1).